The following is an entry in ClinVar:

ClinVar aggregate classification (germline): Benign (0 of 4 stars; one submission).

Conditions:
CENPT-related disorder. Also called: CENPT-related condition.

Allele frequency attached by ClinVar (database versions not stated): gnomAD exomes 0.00042; ExAC 0.00172; ESP Exome Variant Server 0.00455; gnomAD 0.00499; TOPMed 0.00527; 1000 Genomes Project 0.00679; 1000 Genomes Project 30x 0.00859.
gnomAD v4.1: 1,417 of 1,611,776 alleles (0.088%); highest among the groups gnomAD compares: African/African-American, 1.6%; 7 homozygotes.

Submissions (6):

PreventionGenetics, part of Exact Sciences
Classification: Benign for CENPT-related condition. Last evaluated: 2019-11-11. Review status: no assertion criteria provided. Collection method: clinical testing. Allele origin: germline.
Comment: This variant is classified as benign based on ACMG/AMP sequence variant interpretation guidelines (Richards et al. 2015 PMID: 25741868, with internal and published modifications).

Dr. Peter K. Rogan Lab, Western University
No classification provided (evidence only). Condition: Lung cancer. Review status: no classification provided. Collection method: in vitro. Allele origin: not applicable. Functional consequence: retained intron. Not counted in ClinVar's aggregate classification.

Dr. Peter K. Rogan Lab, Western University
No classification provided (evidence only). Condition: Sarcoma. Review status: no classification provided. Collection method: in vitro. Allele origin: not applicable. Functional consequence: retained intron. Not counted in ClinVar's aggregate classification.

Dr. Peter K. Rogan Lab, Western University
No classification provided (evidence only). Condition: Thymoma. Review status: no classification provided. Collection method: in vitro. Allele origin: not applicable. Functional consequence: retained intron. Not counted in ClinVar's aggregate classification.

Dr. Peter K. Rogan Lab, Western University
No classification provided (evidence only). Condition: Gastric cancer. Review status: no classification provided. Collection method: in vitro. Allele origin: not applicable. Functional consequence: retained intron. Not counted in ClinVar's aggregate classification.

Dr. Peter K. Rogan Lab, Western University
No classification provided (evidence only). Condition: Malignant tumor of esophagus. Review status: no classification provided. Collection method: in vitro. Allele origin: not applicable. Functional consequence: retained intron. Not counted in ClinVar's aggregate classification.

NM_025082.4(CENPT):c.111-9T>A

Gene: CENPT (centromere protein T; minus strand). Cytogenetic location: 16q22.1.
Variant type: single nucleotide variant.
Coding change: c.111-9T>A on transcript NM_025082.4 (MANE Select); 9 bases into the intron before coding-DNA position 111, T replaced by A.
Molecular consequence: intron variant.
Genome position (GRCh38, 1-based): chr16:67,832,554, A>T on the plus strand (T>A on the coding strand, the complement: CENPT is on the minus strand). VCF-style: chr16-67832554-A-T. GRCh37 (hg19) VCF-style: chr16-67866457-A-T.
Other names: NC_000016.9:g.67866457A>T.
Identifiers: ClinVar variation 3046095 (VCV003046095.3), dbSNP rs114895738, ClinGen allele CA8118040.